The following is an entry in ClinVar:

ClinVar aggregate classification (germline): Uncertain significance (1 of 4 stars; one submission).

gnomAD v4.1: 2 of 1,612,652 alleles (0.00012%); highest among the groups gnomAD compares: Non-Finnish European, 0.00017%; no homozygotes.

Submission:

Labcorp Genetics (formerly Invitae), Labcorp
Classification: Uncertain significance. Last evaluated: 2025-01-06. Review status: criteria provided, single submitter. Criteria: Invitae Variant Classification Sherloc (09022015). Collection method: clinical testing. Allele origin: germline.
Comment: This sequence change replaces histidine, which is basic and polar, with leucine, which is neutral and non-polar, at codon 1319 of the COL18A1 protein (p.His1319Leu). This variant is not present in population databases (gnomAD no frequency). This variant has not been reported in the literature in individuals affected with COL18A1-related conditions. Experimental studies and prediction algorithms are not available or were not evaluated, and the functional significance of this variant is currently unknown. In summary, the available evidence is currently insufficient to determine the role of this variant in disease. Therefore, it has been classified as a Variant of Uncertain Significance.

NM_001379500.1(COL18A1):c.3965A>T (p.His1322Leu)

Genes: COL18A1 (collagen type XVIII alpha 1 chain; plus strand), SLC19A1 (solute carrier family 19 member 1; minus strand). Cytogenetic location: 21q22.3.
Variant type: single nucleotide variant.
Coding change: c.3965A>T on transcript NM_001379500.1 (MANE Select); coding-DNA position 3965, A replaced by T.
Protein change: p.His1322Leu; replaces histidine 1322 with leucine.
Molecular consequence: missense variant.
Genome position (GRCh38, 1-based): chr21:45,512,343, A>T. VCF-style: chr21-45512343-A-T. GRCh37 (hg19) VCF-style: chr21-46932257-A-T.
Other names: c.4496A>T, p.His1499Leu (NM_030582.4); c.5201A>T, p.His1734Leu (NM_130444.3); short protein forms H1499L, H1734L, H1322L.
Identifiers: ClinVar variation 3722132 (VCV003722132.2).
Genomic context (GRCh38, chr21:45,512,343, plus strand): 5'-CGGGCCAGGCCTCCTCGCTGCTGGGGGGCAGGCTCCTGGGGCAGAGTGCCGCGAGCTGCC[A>T]TCACGCCTACATCGTGCTCTGCATTGAGAACAGCTTCATGACTGCCTCCAAGTAGCCACC-3'
Protein context (NP_001366429.1, residues 1312-1332): RLLGQSAASC[His1322Leu]HAYIVLCIEN